The following is an entry in ClinVar:

NM_001378120.1(MBD5):c.3825T>G (p.Pro1275=)

Gene: MBD5 (methyl-CpG binding domain protein 5; plus strand). Cytogenetic location: 2q23.1.
Variant type: single nucleotide variant.
Coding change: c.3825T>G on transcript NM_001378120.1 (MANE Select); coding-DNA position 3825, T replaced by G.
Protein change: p.Pro1275=; no amino-acid change (proline 1275 retained).
Molecular consequence: synonymous variant.
Genome position (GRCh38, 1-based): chr2:148,489,457, T>G. VCF-style: chr2-148489457-T-G. GRCh37 (hg19) VCF-style: chr2-149247026-T-G.
Other names: c.3126T>G, p.Pro1042= (NM_018328.5).
Identifiers: ClinVar variation 3033664 (VCV003033664.2), dbSNP rs2470020125, ClinGen allele CA429222738.
Genomic context (GRCh38, chr2:148,489,457, plus strand): 5'-GGAAGATGCAGCTCTCCTAAACAAAAGAATAAGCACTCAGCCTGGGCTCACAGCACTTCC[T>G]GAGAATCCAAACACTACACTTCCACCTTTTCAAGATACACCTTGTGAGTTGCAACCGAGG-3'
Protein context (NP_001365049.1, residues 1265-1285): ISTQPGLTAL[Pro1275=]ENPNTTLPPF

ClinVar aggregate classification (germline): Likely benign (0 of 4 stars; one submission).

Conditions:
MBD5-related disorder. Also called: MBD5-related condition.

Submission:

PreventionGenetics, part of Exact Sciences
Classification: Likely benign for MBD5-related condition. Last evaluated: 2023-12-21. Review status: no assertion criteria provided. Collection method: clinical testing. Allele origin: germline.
Comment: This variant is classified as likely benign based on ACMG/AMP sequence variant interpretation guidelines (Richards et al. 2015 PMID: 25741868, with internal and published modifications).